The following is an entry in ClinVar:

NM_000368.5(TSC1):c.1706A>G (p.Asp569Gly)

Gene: TSC1 (TSC complex subunit 1; minus strand). Cytogenetic location: 9q34.13.
Variant type: single nucleotide variant.
Coding change: c.1706A>G on transcript NM_000368.5 (MANE Select); coding-DNA position 1706, A replaced by G.
Protein change: p.Asp569Gly; replaces aspartic acid 569 with glycine.
Molecular consequence: missense variant.
Genome position (GRCh38, 1-based): chr9:132,905,872, T>C on the plus strand (A>G on the coding strand, the complement: TSC1 is on the minus strand). VCF-style: chr9-132905872-T-C. GRCh37 (hg19) VCF-style: chr9-135781259-T-C.
Other names: c.1703A>G, p.Asp568Gly (NM_001162426.2); c.1553A>G, p.Asp518Gly (NM_001162427.2); c.1343A>G, p.Asp448Gly (NM_001362177.2); short protein forms D448G, D518G, D569G, D568G.
Identifiers: ClinVar variation 649544 (VCV000649544.11), dbSNP rs1588309831, ClinGen allele CA375364099.

ClinVar aggregate classification (germline): Conflicting classifications of pathogenicity. Review status: criteria provided, conflicting classifications (1 of 4 stars). 2 submissions from 2 submitters: Uncertain significance (1); Likely benign (1). Last evaluated 2026-06-22.

Conditions:
Hereditary cancer-predisposing syndrome. Also called: Neoplastic Syndromes, Hereditary; Hereditary Cancer Syndrome; Hereditary neoplastic syndrome; Tumor predisposition. Identifiers: Orphanet 140162, MedGen C0027672, MeSH D009386, MONDO:0015356.
Tuberous sclerosis 1 (TSC1). Identifiers: Orphanet 805, MedGen C1854465, MONDO:0008612, OMIM 191100.

Submissions (2):

Ambry Genetics
Classification: Likely benign for Hereditary cancer-predisposing syndrome. Last evaluated: 2026-06-22. Review status: criteria provided, single submitter. Criteria: Ambry Variant Classification Scheme 2023. Collection method: clinical testing. Allele origin: germline.

Labcorp Genetics (formerly Invitae), Labcorp
Classification: Uncertain significance for Tuberous sclerosis 1. Last evaluated: 2021-08-27. Review status: criteria provided, single submitter. Criteria: Invitae Variant Classification Sherloc (09022015). Collection method: clinical testing. Allele origin: germline.
Comment: This sequence change replaces aspartic acid with glycine at codon 569 of the TSC1 protein (p.Asp569Gly). The aspartic acid residue is weakly conserved and there is a moderate physicochemical difference between aspartic acid and glycine. This variant is not present in population databases (ExAC no frequency). This variant has not been reported in the literature in individuals affected with TSC1-related conditions. Algorithms developed to predict the effect of missense changes on protein structure and function output the following: SIFT: "Tolerated"; PolyPhen-2: "Benign"; Align-GVGD: "Class C0". The glycine amino acid residue is found in multiple mammalian species, which suggests that this missense change does not adversely affect protein function. In summary, the available evidence is currently insufficient to determine the role of this variant in disease. Therefore, it has been classified as a Variant of Uncertain Significance.